The following is an entry in ClinVar:

ClinVar aggregate classification (germline): Uncertain significance (1 of 4 stars; one submission).

Conditions:
Hyperphosphatasia with impaired intellectual development syndrome 2. Also called: GLYCOSYLPHOSPHATIDYLINOSITOL BIOSYNTHESIS DEFECT 6; Hyperphosphatasia with intellectual disability syndrome 2. Identifiers: Orphanet 247262, MedGen C3553637, MONDO:0013882, OMIM 614749.

Allele frequency attached by ClinVar (database versions not stated): gnomAD exomes below 0.00001.
gnomAD v4.1: 1 of 1,611,676 alleles (0.000062%); highest among the groups gnomAD compares: Non-Finnish European, 0.000085%; no homozygotes.

Submission:

Labcorp Genetics (formerly Invitae), Labcorp
Classification: Uncertain significance for Hyperphosphatasia with impaired intellectual development syndrome 2. Last evaluated: 2022-10-01. Review status: criteria provided, single submitter. Criteria: Invitae Variant Classification Sherloc (09022015). Collection method: clinical testing. Allele origin: germline.
Comment: This sequence change replaces alanine, which is neutral and non-polar, with serine, which is neutral and polar, at codon 945 of the PIGO protein (p.Ala945Ser). This variant is not present in population databases (gnomAD no frequency). This variant has not been reported in the literature in individuals affected with PIGO-related conditions. Advanced modeling of protein sequence and biophysical properties (such as structural, functional, and spatial information, amino acid conservation, physicochemical variation, residue mobility, and thermodynamic stability) performed at Invitae indicates that this missense variant is not expected to disrupt PIGO protein function. In summary, the available evidence is currently insufficient to determine the role of this variant in disease. Therefore, it has been classified as a Variant of Uncertain Significance.

NM_032634.4(PIGO):c.2833G>T (p.Ala945Ser)

Gene: PIGO (phosphatidylinositol glycan anchor biosynthesis class O; minus strand). Cytogenetic location: 9p13.3.
Variant type: single nucleotide variant.
Coding change: c.2833G>T on transcript NM_032634.4 (MANE Select); coding-DNA position 2833, G replaced by T.
Protein change: p.Ala945Ser; replaces alanine 945 with serine.
Molecular consequence: missense variant.
Genome position (GRCh38, 1-based): chr9:35,090,487, C>A on the plus strand (G>T on the coding strand, the complement: PIGO is on the minus strand). VCF-style: chr9-35090487-C-A. GRCh37 (hg19) VCF-style: chr9-35090484-C-A.
Other names: c.1582G>T, p.Ala528Ser (NM_001201484.2, NM_152850.4); short protein forms A528S, A945S.
Identifiers: ClinVar variation 2003386 (VCV002003386.1), dbSNP rs1247213472, ClinGen allele CA373318084.